The following is an entry in ClinVar:

NM_004006.3(DMD):c.*479CA[6]

Gene: DMD (dystrophin; minus strand). Cytogenetic location: Xp21.2.
Variant type: Microsatellite.
Coding change: c.*479CA[6] on transcript NM_004006.3 (MANE Select); six copies in a row of the 2-base unit CA starting at c.*479; the reference has seven copies in a row; one copy, 2 bases deleted.
Molecular consequence: 3 prime UTR variant.
Genome position (GRCh38, 1-based): chrX:31,121,427-31,121,428, TG deleted on the plus strand (CA on the coding strand, the reverse complement: DMD is on the minus strand); deleting any 2 consecutive bases within chrX:31,121,427-31,121,441 gives the same sequence; the position shown is the placement nearest the transcript's 3' end. VCF-style (leftmost placement, unchanged base first): chrX-31121426-TTG-T. GRCh37 (hg19) VCF-style: chrX-31139543-TTG-T.
Other names: c.*479CA[6] (NM_000109.4, NM_004009.3, NM_004010.3 and 7 more transcripts); c.*393CA[6] (NM_004016.3, NM_004018.3, NM_004021.3 and 2 more transcripts); c.*491_*492del (NM_004006.2).
Identifiers: ClinVar variation 368227 (VCV000368227.31), dbSNP rs763028610, ClinGen allele CA10654303.

ClinVar aggregate classification (germline): Likely benign. Review status: criteria provided, multiple submitters, no conflicts (2 of 4 stars). 2 submissions from 2 submitters: Likely benign (2). Last evaluated 2025-03-24.

Submissions (2):

Revvity Omics, Revvity
Classification: Likely benign. Last evaluated: 2025-03-24. Review status: criteria provided, single submitter. Criteria: ACMG Guidelines, 2015. Collection method: clinical testing. Allele origin: germline.

CeGaT Center for Human Genetics Tuebingen
Classification: Likely benign. Last evaluated: 2023-03-01. Review status: criteria provided, single submitter. Criteria: CeGaT Center For Human Genetics Tuebingen Variant Classification Criteria Version 2. Collection method: clinical testing. Allele origin: germline. Affected: yes. Observed: 3 variant alleles.
Comment: DMD: BS2